The following is an entry in ClinVar:

NM_000548.5(TSC2):c.5239A>G (p.Ile1747Val)

Gene: TSC2 (TSC complex subunit 2; plus strand). Cytogenetic location: 16p13.3.
Variant type: single nucleotide variant.
Coding change: c.5239A>G on transcript NM_000548.5 (MANE Select); coding-DNA position 5239, A replaced by G.
Protein change: p.Ile1747Val; replaces isoleucine 1747 with valine.
Molecular consequence: missense variant.
Genome position (GRCh38, 1-based): chr16:2,088,305, A>G. VCF-style: chr16-2088305-A-G. GRCh37 (hg19) VCF-style: chr16-2138306-A-G.
Other names: c.5038A>G, p.Ile1680Val (NM_001077183.3); c.5170A>G, p.Ile1724Val (NM_001114382.3); c.4930A>G, p.Ile1644Val (NM_001318827.2); c.4894A>G, p.Ile1632Val (NM_001318829.2); c.4507A>G, p.Ile1503Val (NM_001318831.2); c.5071A>G, p.Ile1691Val (NM_001318832.2); c.5041A>G, p.Ile1681Val (NM_001363528.2); c.5107A>G, p.Ile1703Val (NM_001370404.1); and 27 more; short protein forms I1232V, I1255V, I1481V, I1523V, I1524V, I1632V, I1674V, I1700V.
Identifiers: ClinVar variation 1746268 (VCV001746268.2), dbSNP rs2151631966, ClinGen allele CA394314628.

ClinVar aggregate classification (germline): Uncertain significance (1 of 4 stars; one submission).

Conditions:
Hereditary cancer-predisposing syndrome. Also called: Hereditary Cancer Syndrome; Neoplastic Syndromes, Hereditary; Tumor predisposition; Hereditary neoplastic syndrome. Identifiers: Orphanet 140162, MedGen C0027672, MeSH D009386, MONDO:0015356.

Submission:

Ambry Genetics
Classification: Uncertain significance for Hereditary cancer-predisposing syndrome. Last evaluated: 2022-05-30. Review status: criteria provided, single submitter. Criteria: Ambry Variant Classification Scheme 2023. Collection method: clinical testing. Allele origin: germline.
Comment: The p.I1747V variant (also known as c.5239A>G), located in coding exon 40 of the TSC2 gene, results from an A to G substitution at nucleotide position 5239. The isoleucine at codon 1747 is replaced by valine, an amino acid with highly similar properties. This amino acid position is conserved. In addition, the in silico prediction for this alteration is inconclusive. Since supporting evidence is limited at this time, the clinical significance of this alteration remains unclear.